The following is an entry in ClinVar:

ClinVar aggregate classification (germline): Uncertain significance. Review status: criteria provided, multiple submitters, no conflicts (2 of 4 stars). 4 submissions from 4 submitters: Uncertain significance (2). 2 of the submissions do not count toward it. Last evaluated 2025-07-02.

Conditions:
Aicardi-Goutieres syndrome 7 (AGS7). Identifiers: Orphanet 51, MedGen C3888244, MONDO:0014367, OMIM 615846.
Singleton-Merten syndrome 1 (SGMRT1). Also called: Widened medullary cavities of bone, aortic calcification, abnormal dentition, and muscular weakness; Syndrome of widened medullary cavities of the metacarpals and phalanges, aortic calcification and abnormal dentition. Identifiers: Orphanet 85191, MedGen C4225427, MONDO:0024535, OMIM 182250.

Allele frequency attached by ClinVar (database versions not stated): ExAC 0.00002; gnomAD exomes 0.00002 and 0.00003; gnomAD 0.00004; TOPMed 0.00004.
gnomAD v4.1: 47 of 1,607,334 alleles (0.0029%); highest among the groups gnomAD compares: Non-Finnish European, 0.0037%; no homozygotes.

Submissions (4):

Labcorp Genetics (formerly Invitae), Labcorp
Classification: Uncertain significance for Aicardi-Goutieres syndrome 7; Singleton-Merten syndrome 1. Last evaluated: 2025-07-02. Review status: criteria provided, single submitter. Criteria: Invitae Variant Classification Sherloc (09022015). Collection method: clinical testing. Allele origin: germline.
Comment: This sequence change replaces arginine, which is basic and polar, with histidine, which is basic and polar, at codon 806 of the IFIH1 protein (p.Arg806His). The frequency data for this variant in the population databases is considered unreliable, as metrics indicate poor data quality at this position in the gnomAD database. This missense change has been observed in individual(s) with suspected interferonopathy (PMID: 37267771). ClinVar contains an entry for this variant (Variation ID: 1299268). Invitae Evidence Modeling of protein sequence and biophysical properties (such as structural, functional, and spatial information, amino acid conservation, physicochemical variation, residue mobility, and thermodynamic stability) has been performed for this missense variant. However, the output from this modeling did not meet the statistical confidence thresholds required to predict the impact of this variant on IFIH1 protein function. In summary, the available evidence is currently insufficient to determine the role of this variant in disease. Therefore, it has been classified as a Variant of Uncertain Significance.

Blueprint Genetics
Classification: Uncertain significance. Last evaluated: 2024-11-18. Review status: criteria provided, single submitter. Criteria: ACMG Guidelines, 2015. Collection method: clinical testing. Allele origin: germline.

Clinical Genetics DNA and cytogenetics Diagnostics Lab, Erasmus MC, Erasmus Medical Center
Classification: Uncertain significance. Review status: no assertion criteria provided. Collection method: clinical testing. Allele origin: germline. Affected: yes. Study: VKGL Data-share Consensus. Not counted in ClinVar's aggregate classification.

Diagnostic Laboratory, Department of Genetics, University Medical Center Groningen
Classification: Uncertain significance. Review status: no assertion criteria provided. Collection method: clinical testing. Allele origin: germline. Affected: yes. Study: VKGL Data-share Consensus. Not counted in ClinVar's aggregate classification.

Literature cited by the submitters: PubMed 37267771 (cited by Labcorp Genetics (formerly Invitae), Labcorp).

NM_022168.4(IFIH1):c.2417G>A (p.Arg806His)

Gene: IFIH1 (interferon induced with helicase C domain 1; minus strand). Cytogenetic location: 2q24.2.
Variant type: single nucleotide variant.
Coding change: c.2417G>A on transcript NM_022168.4 (MANE Select); coding-DNA position 2417, G replaced by A.
Protein change: p.Arg806His; replaces arginine 806 with histidine.
Molecular consequence: missense variant.
Genome position (GRCh38, 1-based): chr2:162,273,832, C>T on the plus strand (G>A on the coding strand, the complement: IFIH1 is on the minus strand). VCF-style: chr2-162273832-C-T. GRCh37 (hg19) VCF-style: chr2-163130342-C-T.
Other names: short protein forms R806H.
Identifiers: ClinVar variation 1299268 (VCV001299268.10), dbSNP rs562743627, ClinGen allele CA1934201.